The following is an entry in ClinVar:

ClinVar aggregate classification (germline): Uncertain significance. Review status: criteria provided, multiple submitters, no conflicts (2 of 4 stars). 4 submissions from 4 submitters: Uncertain significance (4). Last evaluated 2025-04-15.

Conditions:
Multiple sulfatase deficiency (MSD). Also called: Mucosulfatidosis; Multiple Sulfatase Deficiency Disease; Sulfatidosis, Juvenile, Austin Type. Identifiers: Orphanet 585, MedGen C0268263, MONDO:0010088, OMIM 272200.
Inborn genetic diseases. Identifiers: MedGen C0950123, MeSH D030342.

Allele frequency attached by ClinVar (database versions not stated): ESP Exome Variant Server 0.00019; TOPMed 0.00027; gnomAD exomes 0.00035; gnomAD 0.00038 and 0.00039; ExAC 0.00071.
gnomAD v4.1: 624 of 1,577,824 alleles (0.04%); highest among the groups gnomAD compares: Non-Finnish European, 0.05%; no homozygotes.

Submissions (4):

Mayo Clinic Laboratories, Mayo Clinic
Classification: Uncertain significance. Last evaluated: 2025-04-15. Review status: criteria provided, single submitter. Criteria: ACMG Guidelines, 2015. Collection method: clinical testing. Allele origin: germline. Observed: 2 variant alleles.
Comment: PM2_supporting

Labcorp Genetics (formerly Invitae), Labcorp
Classification: Uncertain significance for Multiple sulfatase deficiency. Last evaluated: 2025-01-06. Review status: criteria provided, single submitter. Criteria: Invitae Variant Classification Sherloc (09022015). Collection method: clinical testing. Allele origin: germline.
Comment: This sequence change replaces serine, which is neutral and polar, with leucine, which is neutral and non-polar, at codon 71 of the SUMF1 protein (p.Ser71Leu). This variant is present in population databases (rs375739887, gnomAD 0.07%). This variant has not been reported in the literature in individuals affected with SUMF1-related conditions. ClinVar contains an entry for this variant (Variation ID: 558946). Invitae Evidence Modeling of protein sequence and biophysical properties (such as structural, functional, and spatial information, amino acid conservation, physicochemical variation, residue mobility, and thermodynamic stability) has been performed for this missense variant. However, the output from this modeling did not meet the statistical confidence thresholds required to predict the impact of this variant on SUMF1 protein function. In summary, the available evidence is currently insufficient to determine the role of this variant in disease. Therefore, it has been classified as a Variant of Uncertain Significance.

Fulgent Genetics
Classification: Uncertain significance for Multiple sulfatase deficiency. Last evaluated: 2022-03-02. Review status: criteria provided, single submitter. Criteria: ACMG Guidelines, 2015. Collection method: clinical testing. Allele origin: unknown.

Ambry Genetics
Classification: Uncertain significance for Inborn genetic diseases. Last evaluated: 2021-10-06. Review status: criteria provided, single submitter. Criteria: Ambry Variant Classification Scheme 2023. Collection method: clinical testing. Allele origin: germline.

NM_182760.4(SUMF1):c.212C>T (p.Ser71Leu)

Genes: SUMF1 (sulfatase modifying factor 1; minus strand), LOC129936056 (ATAC-STARR-seq lymphoblastoid silent region 14016; plus strand). Cytogenetic location: 3p26.1.
Variant type: single nucleotide variant.
Coding change: c.212C>T on transcript NM_182760.4 (MANE Select); coding-DNA position 212, C replaced by T.
Protein change: p.Ser71Leu; replaces serine 71 with leucine.
Molecular consequence: missense variant.
Genome position (GRCh38, 1-based): chr3:4,467,034, G>A on the plus strand (C>T on the coding strand, the complement: SUMF1 is on the minus strand). VCF-style: chr3-4467034-G-A. GRCh37 (hg19) VCF-style: chr3-4508718-G-A.
Other names: p.Ser71Leu; c.212C>T, p.Ser71Leu (NM_001164674.2, NM_001164675.2); short protein forms S71L.
Identifiers: ClinVar variation 558946 (VCV000558946.10), dbSNP rs375739887, ClinGen allele CA2230689.
Genomic context (GRCh38, chr3:4,467,034, plus strand): 5'-ACCTTTGAGTGCGCGAGTTGCCGCTCTCCGGGTACGGGGCCCGGAGCGTTAGCCTCCCGC[G>A]AGTATCGGTGAGCGGCTGCCGAACTGCCATGGGCGCCAGGCCGCTGGGGCGTGCCGCAGC-3'
Protein context (NP_877437.2, residues 61-81): HGSSAAAHRY[Ser71Leu]REANAPGPVP